The following is an entry in ClinVar:

ClinVar aggregate classification (germline): Uncertain significance (1 of 4 stars; one submission).

Conditions:
Hypertrophic cardiomyopathy. Also called: HYPERTROPHIC MYOCARDIOPATHY. Identifiers: Orphanet 217569, MedGen C0007194, MeSH D002312, MONDO:0005045, HP:0001639.
Primary dilated cardiomyopathy (DCM). Also called: Dilated Cardiomyopathy. Identifiers: Orphanet 217604, MedGen C0007193, MeSH D002311, MONDO:0005021, HP:0001644. Inheritance: Various modes of inheritance.

Allele frequency attached by ClinVar (database versions not stated): ExAC 0.00001; TOPMed 0.00002; gnomAD 0.00003 and 0.00004.
gnomAD v4.1: 7 of 1,614,066 alleles (0.00043%); highest among the groups gnomAD compares: African/African-American, 0.0093%; no homozygotes.

Submission:

Labcorp Genetics (formerly Invitae), Labcorp
Classification: Uncertain significance for Hypertrophic cardiomyopathy; Primary dilated cardiomyopathy. Last evaluated: 2025-12-27. Review status: criteria provided, single submitter. Criteria: Invitae Variant Classification Sherloc (09022015). Collection method: clinical testing. Allele origin: germline.
Comment: This sequence change replaces valine, which is neutral and non-polar, with leucine, which is neutral and non-polar, at codon 183 of the PDLIM3 protein (p.Val183Leu). This variant is present in population databases (rs765318874, gnomAD 0.01%). This variant has not been reported in the literature in individuals affected with PDLIM3-related conditions. ClinVar contains an entry for this variant (Variation ID: 454478). Invitae Evidence Modeling of protein sequence and biophysical properties (such as structural, functional, and spatial information, amino acid conservation, physicochemical variation, residue mobility, and thermodynamic stability) indicates that this missense variant is not expected to disrupt PDLIM3 protein function with a negative predictive value of 80%. In summary, the available evidence is currently insufficient to determine the role of this variant in disease. Therefore, it has been classified as a Variant of Uncertain Significance.

NM_014476.6(PDLIM3):c.547G>C (p.Val183Leu)

Gene: PDLIM3 (PDZ and LIM domain 3; minus strand). Cytogenetic location: 4q35.1.
Variant type: single nucleotide variant.
Coding change: c.547G>C on transcript NM_014476.6 (MANE Select); coding-DNA position 547, G replaced by C.
Protein change: p.Val183Leu; replaces valine 183 with leucine.
Molecular consequence: missense variant. On other transcripts: intron variant (3).
Genome position (GRCh38, 1-based): chr4:185,508,414, C>G on the plus strand (G>C on the coding strand, the complement: PDLIM3 is on the minus strand). VCF-style: chr4-185508414-C-G. GRCh37 (hg19) VCF-style: chr4-186429568-C-G.
Other names: c.162-1762G>C (NM_001257963.2); c.399-1762G>C (NM_001257962.2); c.519-1762G>C (NM_001114107.5); short protein forms V183L.
Identifiers: ClinVar variation 454478 (VCV000454478.9), dbSNP rs765318874, ClinGen allele CA3159759.